The following is an entry in ClinVar:

ClinVar aggregate classification (germline): Uncertain significance. Review status: criteria provided, multiple submitters, no conflicts (2 of 4 stars). 5 submissions from 5 submitters: Uncertain significance (5). Last evaluated 2024-06-14.

Conditions:
Infantile nephronophthisis (NPHP2). Also called: Nephronophthisis 2, infantile; Nephronophthisis 2. Identifiers: Orphanet 655, Orphanet 93591, MedGen C1865872, MONDO:0011190, OMIM 602088.
Nephronophthisis. Also called: Juvenile Nephronophthisis. Identifiers: Orphanet 655, MedGen C0687120, MONDO:0019005, HP:0000090.

Allele frequency attached by ClinVar (database versions not stated): gnomAD 0.00009; gnomAD exomes 0.00009 and 0.00005; TOPMed 0.00005; ExAC 0.00006; ESP Exome Variant Server 0.00008.
gnomAD v4.1: 136 of 1,611,034 alleles (0.0084%); highest among the groups gnomAD compares: Middle Eastern, 0.017%; no homozygotes.

Submissions (5):

Blueprint Genetics
Classification: Uncertain significance. Last evaluated: 2024-06-14. Review status: criteria provided, single submitter. Criteria: ACMG Guidelines, 2015. Collection method: clinical testing. Allele origin: germline.

Labcorp Genetics (formerly Invitae), Labcorp
Classification: Uncertain significance for Nephronophthisis. Last evaluated: 2022-08-16. Review status: criteria provided, single submitter. Criteria: Invitae Variant Classification Sherloc (09022015). Collection method: clinical testing. Allele origin: germline.
Comment: This sequence change replaces arginine, which is basic and polar, with histidine, which is basic and polar, at codon 95 of the INVS protein (p.Arg95His). This variant is present in population databases (rs372088206, gnomAD 0.01%). This variant has not been reported in the literature in individuals affected with INVS-related conditions. ClinVar contains an entry for this variant (Variation ID: 499597). Algorithms developed to predict the effect of missense changes on protein structure and function (SIFT, PolyPhen-2, Align-GVGD) all suggest that this variant is likely to be disruptive. In summary, the available evidence is currently insufficient to determine the role of this variant in disease. Therefore, it has been classified as a Variant of Uncertain Significance.

Fulgent Genetics
Classification: Uncertain significance for Infantile nephronophthisis. Last evaluated: 2022-02-28. Review status: criteria provided, single submitter. Criteria: ACMG Guidelines, 2015. Collection method: clinical testing. Allele origin: unknown.

Eurofins Ntd Llc (ga)
Classification: Uncertain significance. Last evaluated: 2018-04-20. Review status: criteria provided, single submitter. Criteria: EGL ClinVar v180209 classification definitions. Collection method: clinical testing. Allele origin: germline. Observed: 2 variant alleles, 2 heterozygotes.

Illumina Laboratory Services, Illumina
Classification: Uncertain significance for Infantile nephronophthisis. Last evaluated: 2018-01-12. Review status: criteria provided, single submitter. Criteria: ICSL Variant Classification Criteria 13 December 2019. Collection method: clinical testing. Allele origin: germline.

NM_014425.5(INVS):c.284G>A (p.Arg95His)

Gene: INVS (inversin; plus strand). Cytogenetic location: 9q31.1.
Variant type: single nucleotide variant.
Coding change: c.284G>A on transcript NM_014425.5 (MANE Select); coding-DNA position 284, G replaced by A.
Protein change: p.Arg95His; replaces arginine 95 with histidine.
Molecular consequence: missense variant. On other transcripts: 5 prime UTR variant (2), non-coding transcript variant (1).
Genome position (GRCh38, 1-based): chr9:100,226,072, G>A. VCF-style: chr9-100226072-G-A. GRCh37 (hg19) VCF-style: chr9-102988354-G-A.
Other names: c.-5G>A (NM_001318381.2); c.-706G>A (NM_001318382.2); short protein forms R95H.
Identifiers: ClinVar variation 499597 (VCV000499597.13), dbSNP rs372088206, ClinGen allele CA5158133.